The following is an entry in ClinVar:

ClinVar aggregate classification (germline): Uncertain significance. Review status: criteria provided, multiple submitters, no conflicts (2 of 4 stars). 4 submissions from 4 submitters: Uncertain significance (4). Last evaluated 2026-07-01.

Conditions:
Glycogen storage disease IXa1. Also called: Glycogen storage disease 8; LIVER GLYCOGENOSIS, X-LINKED, TYPE I; GLYCOGEN STORAGE DISEASE VIII; GSD VIII. Identifiers: Orphanet 264580, MedGen C3694531, MONDO:0010598, OMIM 306000.

Allele frequency attached by ClinVar (database versions not stated): gnomAD exomes 0.00001; ExAC 0.00002.
gnomAD v4.1: 10 of 1,152,212 alleles (0.00087%); highest among the groups gnomAD compares: South Asian, 0.009%; no homozygotes.

Submissions (4):

CeGaT Center for Human Genetics Tuebingen
Classification: Uncertain significance. Last evaluated: 2026-07-01. Review status: criteria provided, single submitter. Criteria: CeGaT Center For Human Genetics Tuebingen Variant Classification Criteria Version 2. Collection method: clinical testing. Allele origin: germline. Affected: yes. Observed: 3 variant alleles.
Comment: PHKA2: PM2, PP3, PS4:Supporting

Women's Health and Genetics/Laboratory Corporation of America, LabCorp
Classification: Uncertain significance. Last evaluated: 2025-06-23. Review status: criteria provided, single submitter. Criteria: LabCorp Variant Classification Summary - May 2015. Collection method: clinical testing. Allele origin: germline.
Comment: Variant summary: PHKA2 c.535G>A (p.Ala179Thr) results in a non-conservative amino acid change located in the GH15-like domain (IPR011613) of the encoded protein sequence. Algorithms developed to predict the effect of missense changes on protein structure and function all suggest that this variant is likely to be disruptive. Consensus agreement among computation tools predict no significant impact on normal splicing. However, these predictions have yet to be confirmed by functional studies. The variant allele was found at a frequency of 5.5e-06 in 183455 control chromosomes (gnomAD). The available data on variant occurrences in the general population are insufficient to allow any conclusion about variant significance. c.535G>A has been observed in in at least one individual affected with glycogen storage disease type IXa (Brown_2015). This report does not provide unequivocal conclusions about association of the variant with Glycogen Phosphorylase Kinase Deficiency. To our knowledge, no experimental evidence demonstrating an impact on protein function has been reported. The following publications have been ascertained in the context of this evaluation (PMID: 25070466, 32387637). ClinVar contains an entry for this variant (Variation ID: 1410251). Based on the evidence outlined above, the variant was classified as uncertain significance.

Labcorp Genetics (formerly Invitae), Labcorp
Classification: Uncertain significance for Glycogen storage disease IXa1. Last evaluated: 2023-12-25. Review status: criteria provided, single submitter. Criteria: Invitae Variant Classification Sherloc (09022015). Collection method: clinical testing. Allele origin: germline.
Comment: This sequence change replaces alanine, which is neutral and non-polar, with threonine, which is neutral and polar, at codon 179 of the PHKA2 protein (p.Ala179Thr). This variant is present in population databases (rs749441642, gnomAD 0.005%). This missense change has been observed in individual(s) with clinical features of glycogen storage disease type IXa (PMID: 25070466). ClinVar contains an entry for this variant (Variation ID: 1410251). An algorithm developed to predict the effect of missense changes on protein structure and function (PolyPhen-2) suggests that this variant is likely to be disruptive. In summary, the available evidence is currently insufficient to determine the role of this variant in disease. Therefore, it has been classified as a Variant of Uncertain Significance.

GeneDx
Classification: Uncertain significance. Last evaluated: 2023-02-11. Review status: criteria provided, single submitter. Criteria: GeneDx Variant Classification Process June 2021. Collection method: clinical testing. Allele origin: germline. Affected: yes.
Comment: In silico analysis supports that this missense variant does not alter protein structure/function; Observed in large population cohorts, and one individual was reported as hemizygous (gnomAD; internal data); This variant is associated with the following publications: (PMID: 25070466)

Literature cited by the submitters: PubMed 25070466 (cited by Women's Health and Genetics/Laboratory Corporation of America, LabCorp and Labcorp Genetics (formerly Invitae), Labcorp); PubMed 32387637 (cited by Women's Health and Genetics/Laboratory Corporation of America, LabCorp).

NM_000292.3(PHKA2):c.535G>A (p.Ala179Thr)

Gene: PHKA2 (phosphorylase kinase regulatory subunit alpha 2; minus strand). Cytogenetic location: Xp22.13.
Variant type: single nucleotide variant.
Coding change: c.535G>A on transcript NM_000292.3 (MANE Select); coding-DNA position 535, G replaced by A.
Protein change: p.Ala179Thr; replaces alanine 179 with threonine.
Molecular consequence: missense variant.
Genome position (GRCh38, 1-based): chrX:18,948,746, C>T on the plus strand (G>A on the coding strand, the complement: PHKA2 is on the minus strand). VCF-style: chrX-18948746-C-T. GRCh37 (hg19) VCF-style: chrX-18966864-C-T.
Other names: short protein forms A179T.
Identifiers: ClinVar variation 1410251 (VCV001410251.10), dbSNP rs749441642, ClinGen allele CA10362095.